The following is an entry in ClinVar:

ClinVar aggregate classification (germline): Benign. Review status: reviewed by expert panel (3 of 4 stars). 4 submissions from 4 submitters: Benign (1). 3 of the submissions do not count toward it. Last evaluated 2025-01-13.

Conditions:
Mitochondrial disease. Also called: Mitochondrial disorder; Mitochondrial disorders. Identifiers: Orphanet 68380, MedGen C0751651, MeSH D028361, MONDO:0044970.

Submissions (4):

ClinGen Mitochondrial Disease Nuclear and Mitochondrial  Variant Curation Expert Panel, ClinGen
Classification: Benign for Mitochondrial disease. Last evaluated: 2025-01-13. Review status: reviewed by expert panel. Criteria: clingen mito disease acmg specifications v1-1. Collection method: curation. Allele origin: germline. Inheritance: Mitochondrial inheritance.
Comment: The m.11467A>G (p.L236L) variant in MT-ND4 was reviewed by the Mitochondrial Disease Nuclear and Mitochondrial Variant Curation Expert Panel on January 13, 2025. This variant has not been reported in the medical literature as causative in affected individuals or families with primary mitochondrial disease to our knowledge. This variant is present at high frequencies in population databases (13% of individuals in MITOMAP, 16% in gnomAD v3.1.2, and 20% in the Helix dataset; BA1). Furthermore, this variant is a marker for European haplogroups U and K, where it is found at >99%, however the presence of this variant in an individual with primary mitochondrial disease outside of haplogroups U and K may warrant further consideration to rule out any detrimental effect of the variant. There are no in silico predictors for this type of variant in mitochondrial DNA. There are no cybrids, single fiber studies, or other functional assays reported on this variant. In summary, this variant meets criteria to be classified as benign for primary mitochondrial disease inherited in a mitochondrial manner. This classification was approved by the NICHD/NINDS U24 ClinGen Mitochondrial Disease Variant Curation Expert Panel on January 13, 2025. Mitochondrial DNA-specific ACMG/AMP criteria applied (PMID: 32906214): BA1.

Laboratory of Genetics, Children's Clinical University Hospital Latvia
Classification: Likely benign. Last evaluated: 2025-02-16. Review status: criteria provided, single submitter. Criteria: ACMG Guidelines, 2015. Collection method: clinical testing. Allele origin: germline. Affected: yes. Not counted in ClinVar's aggregate classification.

Genomic Research Center, Shahid Beheshti University of Medical Sciences
Classification: Benign for Mitochondrial disease. Last evaluated: 2024-07-20. Review status: criteria provided, single submitter. Criteria: ACMG Guidelines, 2015. Collection method: clinical testing. Allele origin: inherited. Affected: yes. Not counted in ClinVar's aggregate classification.

Mendelics
Classification: Benign. Last evaluated: 2022-05-04. Review status: criteria provided, single submitter. Criteria: Mendelics Assertion Criteria 2019. Collection method: clinical testing. Allele origin: germline. Not counted in ClinVar's aggregate classification.

NC_012920.1(MT-ND4):m.11467A>G

Gene: MT-ND4 (mitochondrially encoded NADH dehydrogenase 4; plus strand).
Variant type: single nucleotide variant.
Genome position: chrM-11467-A-G.
Identifiers: ClinVar variation 522716 (VCV000522716.7), dbSNP rs2853493, ClinGen allele CA337099193.